The following is an entry in ClinVar:

NM_001035.3(RYR2):c.2169C>T (p.Phe723=)

Gene: RYR2 (ryanodine receptor 2; plus strand). Cytogenetic location: 1q43.
Variant type: single nucleotide variant.
Coding change: c.2169C>T on transcript NM_001035.3 (MANE Select); coding-DNA position 2169, C replaced by T.
Protein change: p.Phe723=; no amino-acid change (phenylalanine 723 retained).
Molecular consequence: synonymous variant.
Genome position (GRCh38, 1-based): chr1:237,496,718, C>T. VCF-style: chr1-237496718-C-T. GRCh37 (hg19) VCF-style: chr1-237660018-C-T.
Identifiers: ClinVar variation 1787034 (VCV001787034.5), dbSNP rs1475623624, ClinGen allele CA424030792.

ClinVar aggregate classification (germline): Likely benign. Review status: criteria provided, multiple submitters, no conflicts (2 of 4 stars). 3 submissions from 3 submitters: Likely benign (3). Last evaluated 2024-02-07.

Conditions:
Catecholaminergic polymorphic ventricular tachycardia 1. Also called: VENTRICULAR TACHYCARDIA, CATECHOLAMINERGIC POLYMORPHIC, 1, WITH OR WITHOUT ATRIAL DYSFUNCTION AND/OR DILATED CARDIOMYOPATHY; VENTRICULAR TACHYCARDIA, STRESS-INDUCED POLYMORPHIC 1; RYR2-Related Catecholaminergic Polymorphic Ventricular Tachycardia. Identifiers: Orphanet 3286, MedGen C1631597, MONDO:0011484, OMIM 604772.
Cardiovascular phenotype. Identifiers: MedGen CN230736.
Catecholaminergic polymorphic ventricular tachycardia (CVPT). Also called: Catecholamine-induced polymorphic ventricular tachycardia. Identifiers: Orphanet 3286, MedGen C5574922, MONDO:0017990.

Allele frequency attached by ClinVar (database versions not stated): TOPMed 0.00001.

Submissions (3):

Labcorp Genetics (formerly Invitae), Labcorp
Classification: Likely benign for Catecholaminergic polymorphic ventricular tachycardia 1. Last evaluated: 2024-02-07. Review status: criteria provided, single submitter. Criteria: Invitae Variant Classification Sherloc (09022015). Collection method: clinical testing. Allele origin: germline.

All of Us Research Program, National Institutes of Health
Classification: Likely benign for Catecholaminergic polymorphic ventricular tachycardia. Last evaluated: 2023-06-26. Review status: criteria provided, single submitter. Criteria: ACMG Guidelines, 2015. Collection method: clinical testing. Allele origin: germline. Inheritance: Autosomal dominant inheritance. Observed: 1 variant allele, 1 heterozygote.
Comment: This study involves interpretation of variants in research participants for the purpose of population health screening. Participant phenotype was not available at the time of variant classification. Additional details can be found in publication PMID: 35346344, PMCID: PMC8962531

Ambry Genetics
Classification: Likely benign for Cardiovascular phenotype. Last evaluated: 2020-02-14. Review status: criteria provided, single submitter. Criteria: Ambry Variant Classification Scheme 2023. Collection method: clinical testing. Allele origin: germline.